The following is an entry in ClinVar:

ClinVar aggregate classification (germline): Conflicting classifications of pathogenicity. Review status: criteria provided, conflicting classifications (1 of 4 stars). 2 submissions from 2 submitters: Uncertain significance (1); Benign (1). Last evaluated 2024-10-04.

Conditions:
Inborn genetic diseases. Identifiers: MedGen C0950123, MeSH D030342.

Allele frequency attached by ClinVar (database versions not stated): gnomAD 0.00001; gnomAD exomes 0.00001; TOPMed 0.00001.
gnomAD v4.1: 4 of 1,614,076 alleles (0.00025%); highest among the groups gnomAD compares: Admixed American, 0.0067%; no homozygotes.

Submissions (2):

Ambry Genetics
Classification: Uncertain significance for Inborn genetic diseases. Last evaluated: 2024-10-04. Review status: criteria provided, single submitter. Criteria: Ambry Variant Classification Scheme 2023. Collection method: clinical testing. Allele origin: germline.
Comment: The p.S1133F variant (also known as c.3398C>T), located in coding exon 13 of the ASXL1 gene, results from a C to T substitution at nucleotide position 3398. The serine at codon 1133 is replaced by phenylalanine, an amino acid with highly dissimilar properties. This amino acid position is conserved. In addition, this alteration is predicted to be tolerated by in silico analysis. Based on the available evidence, the clinical significance of this variant remains unclear.

Labcorp Genetics (formerly Invitae), Labcorp
Classification: Benign. Last evaluated: 2024-03-19. Review status: criteria provided, single submitter. Criteria: Invitae Variant Classification Sherloc (09022015). Collection method: clinical testing. Allele origin: germline.

NM_015338.6(ASXL1):c.3398C>T (p.Ser1133Phe)

Gene: ASXL1 (ASXL transcriptional regulator 1; plus strand). Cytogenetic location: 20q11.21.
Variant type: single nucleotide variant.
Coding change: c.3398C>T on transcript NM_015338.6 (MANE Select); coding-DNA position 3398, C replaced by T.
Protein change: p.Ser1133Phe; replaces serine 1133 with phenylalanine.
Molecular consequence: missense variant.
Genome position (GRCh38, 1-based): chr20:32,436,110, C>T. VCF-style: chr20-32436110-C-T. GRCh37 (hg19) VCF-style: chr20-31023913-C-T.
Other names: c.3215C>T, p.Ser1072Phe (NM_001363734.1); short protein forms S1072F, S1133F.
Identifiers: ClinVar variation 1908381 (VCV001908381.6), dbSNP rs1244161898, ClinGen allele CA408562980.